The following is an entry in ClinVar:

ClinVar aggregate classification (germline): Uncertain significance. Review status: criteria provided, multiple submitters, no conflicts (2 of 4 stars). 2 submissions from 2 submitters: Uncertain significance (2). Last evaluated 2022-09-07.

Conditions:
Duchenne muscular dystrophy (DMD). Also called: MUSCULAR DYSTROPHY, PSEUDOHYPERTROPHIC PROGRESSIVE, DUCHENNE TYPE; Duchenne Muscular Dystrophy (DMD). Identifiers: Orphanet 98896, MedGen C0013264, MONDO:0010679, OMIM 310200.

Submissions (2):

Labcorp Genetics (formerly Invitae), Labcorp
Classification: Uncertain significance for Duchenne muscular dystrophy. Last evaluated: 2022-09-07. Review status: criteria provided, single submitter. Criteria: Invitae Variant Classification Sherloc (09022015). Collection method: clinical testing. Allele origin: germline.
Comment: This sequence change replaces glutamic acid, which is acidic and polar, with valine, which is neutral and non-polar, at codon 2207 of the DMD protein (p.Glu2207Val). This variant is not present in population databases (gnomAD no frequency). This variant has not been reported in the literature in individuals affected with DMD-related conditions. Algorithms developed to predict the effect of missense changes on protein structure and function are either unavailable or do not agree on the potential impact of this missense change (SIFT: "Deleterious"; PolyPhen-2: "Possibly Damaging"; Align-GVGD: "Class C0"). In summary, the available evidence is currently insufficient to determine the role of this variant in disease. Therefore, it has been classified as a Variant of Uncertain Significance.

Revvity Omics, Revvity
Classification: Uncertain significance. Last evaluated: 2020-04-03. Review status: criteria provided, single submitter. Criteria: ACMG Guidelines, 2015. Collection method: clinical testing. Allele origin: germline.

NM_004006.3(DMD):c.6620A>T (p.Glu2207Val)

Gene: DMD (dystrophin; minus strand). Cytogenetic location: Xp21.1.
Variant type: single nucleotide variant.
Coding change: c.6620A>T on transcript NM_004006.3 (MANE Select); coding-DNA position 6620, A replaced by T.
Protein change: p.Glu2207Val; replaces glutamic acid 2207 with valine.
Molecular consequence: missense variant. On other transcripts: 5 prime UTR variant (5).
Genome position (GRCh38, 1-based): chrX:31,932,222, T>A on the plus strand (A>T on the coding strand, the complement: DMD is on the minus strand). VCF-style: chrX-31932222-T-A. GRCh37 (hg19) VCF-style: chrX-31950339-T-A.
Other names: c.6596A>T, p.Glu2199Val (NM_000109.4); c.6608A>T, p.Glu2203Val (NM_004009.3); c.6251A>T, p.Glu2084Val (NM_004010.3); c.2597A>T, p.Glu866Val (NM_004011.4); c.2588A>T, p.Glu863Val (NM_004012.4); c.-761A>T (NM_004013.3, NM_004020.4, NM_004021.3 and 2 more transcripts); short protein forms E2207V, E2084V, E866V, E863V, E2199V, E2203V.
Identifiers: ClinVar variation 1920660 (VCV001920660.8), dbSNP rs2533460366, ClinGen allele CA412658424.